The following is an entry in ClinVar:

NM_000059.4(BRCA2):c.2598A>G (p.Glu866=)

Gene: BRCA2 (BRCA2 DNA repair associated; plus strand). Cytogenetic location: 13q13.1.
Variant type: single nucleotide variant.
Coding change: c.2598A>G on transcript NM_000059.4 (MANE Select); coding-DNA position 2598, A replaced by G.
Protein change: p.Glu866=; no amino-acid change (glutamic acid 866 retained).
Molecular consequence: synonymous variant.
Genome position (GRCh38, 1-based): chr13:32,336,953, A>G. VCF-style: chr13-32336953-A-G. GRCh37 (hg19) VCF-style: chr13-32911090-A-G.
Identifiers: ClinVar variation 233440 (VCV000233440.17), dbSNP rs587780549, ClinGen allele CA10579540.

ClinVar aggregate classification (germline): Likely benign. Review status: reviewed by expert panel (3 of 4 stars). 4 submissions from 4 submitters: Likely benign (1). 3 of the submissions do not count toward it. Last evaluated 2017-06-29.

Conditions:
Hereditary cancer-predisposing syndrome. Also called: Tumor predisposition; Hereditary Cancer Syndrome; Hereditary neoplastic syndrome; Neoplastic Syndromes, Hereditary. Identifiers: Orphanet 140162, MedGen C0027672, MeSH D009386, MONDO:0015356.
Hereditary breast ovarian cancer syndrome. Also called: Hereditary breast and ovarian cancer; Breast and ovarian cancer; BRCA1- and BRCA2-Associated Hereditary Breast and Ovarian Cancer; Hereditary breast and ovarian cancer syndrome; Hereditary breast and ovarian cancer syndrome (HBOC); Hereditary breast and/or ovarian cancer syndrome. Identifiers: Orphanet 145, MedGen C0677776, MeSH D061325, MONDO:0003582. Disease mechanism: loss of function.
Breast-ovarian cancer, familial, susceptibility to, 2 (BROVCA2). Also called: BRCA2 Hereditary Breast and Ovarian Cancer. Identifiers: Orphanet 145, MedGen C2675520, MONDO:0012933, OMIM 612555. Disease mechanism: loss of function.
Malignant tumor of breast. Also called: Malignant breast neoplasm; Cancer breast. Identifiers: MedGen C0006142, MONDO:0007254. Disease mechanism: loss of function.

Allele frequency attached by ClinVar (database versions not stated): TOPMed below 0.00001.

Submissions (4):

Evidence-based Network for the Interpretation of Germline Mutant Alleles (ENIGMA)
Classification: Likely benign for Breast-ovarian cancer, familial, susceptibility to, 2. Last evaluated: 2017-06-29. Review status: reviewed by expert panel. Criteria: ENIGMA BRCA1/2 Classification Criteria (2017-06-29). Collection method: curation. Allele origin: germline.
Comment: Synonymous substitution variant, with low bioinformatic likelihood to result in a splicing aberration (Splicing prior probability 0.02).

Labcorp Genetics (formerly Invitae), Labcorp
Classification: Likely benign for Hereditary breast ovarian cancer syndrome. Last evaluated: 2021-04-05. Review status: criteria provided, single submitter. Criteria: Invitae Variant Classification Sherloc (09022015). Collection method: clinical testing. Allele origin: germline. Not counted in ClinVar's aggregate classification.

Ambry Genetics
Classification: Likely benign for Hereditary cancer-predisposing syndrome. Last evaluated: 2015-08-04. Review status: criteria provided, single submitter. Criteria: Ambry Variant Classification Scheme 2023. Collection method: clinical testing. Allele origin: germline. Not counted in ClinVar's aggregate classification.

Department of Pathology and Laboratory Medicine, Sinai Health System
Classification: Likely benign for Malignant tumor of breast. Review status: no assertion criteria provided. Collection method: clinical testing. Allele origin: unknown. Affected: yes. Study: The Canadian Open Genetics Repository (COGR). Not counted in ClinVar's aggregate classification.
Comment: The BRCA2 p.Glu866= variant was not identified in the literature nor was it identified in the LOVD 3.0 or UMD-LSDB databases. The variant was identified in dbSNP (rs587780549) as â€šÃ„Ãºwith likely benign, uncertain significance allele and ClinVar (classified as likely benign by ENIGMA expert panel in 2017 and Ambry Genetics). The variant was not identified in the following control databases: the Exome Aggregation Consortium (August 8th 2016) or the Genome Aggregation Database (Feb 27, 2017). The p.Glu866= variant is not expected to have clinical significance because it does not result in a change of amino acid and occurs at a non-highly conserved nucleotides outside of the splicing consensus sequence. In addition, in silico or computational prediction software programs (SpliceSiteFinder, MaxEntScan, NNSPLICE, GeneSplicer) do not predict a difference in splicing. In summary, based on the above information, the clinical significance of this variant cannot be determined with certainty at this time although we would lean towards a more benign role for this variant. This variant is classified as likely benign.